The following is an entry in ClinVar:

NM_001270974.2(HYDIN):c.9913G>A (p.Gly3305Ser)

Gene: HYDIN (HYDIN axonemal central pair apparatus protein; minus strand). Cytogenetic location: 16q22.2.
Variant type: single nucleotide variant.
Coding change: c.9913G>A on transcript NM_001270974.2 (MANE Select); coding-DNA position 9913, G replaced by A.
Protein change: p.Gly3305Ser; replaces glycine 3305 with serine.
Molecular consequence: missense variant.
Genome position (GRCh38, 1-based): chr16:70,883,986, C>T on the plus strand (G>A on the coding strand, the complement: HYDIN is on the minus strand). VCF-style: chr16-70883986-C-T. GRCh37 (hg19) VCF-style: chr16-70917889-C-T.
Other names: short protein forms G3305S.
Identifiers: ClinVar variation 4887933 (VCV004887933.2).

ClinVar aggregate classification (germline): Uncertain significance. Review status: criteria provided, multiple submitters, no conflicts (2 of 4 stars). 2 submissions from 2 submitters: Uncertain significance (2). Last evaluated 2026-01-22.

Conditions:
Primary ciliary dyskinesia. Also called: Ciliary dyskinesia. Identifiers: Orphanet 244, MedGen C0008780, MONDO:0016575, HP:0012265.

gnomAD v4.1: 186 of 1,614,098 alleles (0.012%); highest among the groups gnomAD compares: Non-Finnish European, 0.015%; no homozygotes.

Submissions (2):

GeneDx
Classification: Uncertain significance. Last evaluated: 2026-01-22. Review status: criteria provided, single submitter. Criteria: GeneDx Variant Classification Process June 2021. Collection method: clinical testing. Allele origin: germline.
Comment: Reported in patients with primary ciliary dyskinesia, one of whom was reported to have other variants in the HYDIN gene, but it is not known whether the variants occurred on the same (in cis) or on different (in trans) alleles (PMID: 31213628); In silico analysis suggests that this missense variant does not alter protein structure/function; This variant is associated with the following publications: (PMID: 31213628)

Molecular Genetics McLendon Clinical Laboratories, University of North Carolina at Chapel Hill
Classification: Uncertain significance for Primary ciliary dyskinesia. Last evaluated: 2025-02-28. Review status: criteria provided, single submitter. Criteria: ACMG Guidelines, 2015. Collection method: clinical testing. Allele origin: germline.